The following is an entry in ClinVar:

NM_001371333.1(DIABLO):c.183+6G>A

Gene: DIABLO (diablo IAP-binding mitochondrial protein; minus strand). Cytogenetic location: 12q24.31.
Variant type: single nucleotide variant.
Coding change: c.183+6G>A on transcript NM_001371333.1 (MANE Select); 6 bases into the intron after coding-DNA position 183, G replaced by A.
Molecular consequence: intron variant.
Genome position (GRCh38, 1-based): chr12:122,224,506, C>T on the plus strand (G>A on the coding strand, the complement: DIABLO is on the minus strand). VCF-style: chr12-122224506-C-T. GRCh37 (hg19) VCF-style: chr12-122709053-C-T.
Other names: c.-37+1459G>A (NM_001278303.1); c.183+6G>A (NM_001278342.1, NM_019887.6); c.24+139G>A (NM_001278302.1, NM_138930.3, NM_001278304.2).
Identifiers: ClinVar variation 1499453 (VCV001499453.6), dbSNP rs1001918743, ClinGen allele CA244725513.

ClinVar aggregate classification (germline): Uncertain significance (1 of 4 stars; one submission).

Allele frequency attached by ClinVar (database versions not stated): gnomAD exomes below 0.00001; TOPMed 0.00002.

Submission:

Labcorp Genetics (formerly Invitae), Labcorp
Classification: Uncertain significance. Last evaluated: 2024-01-15. Review status: criteria provided, single submitter. Criteria: Invitae Variant Classification Sherloc (09022015). Collection method: clinical testing. Allele origin: germline.
Comment: This sequence change falls in intron 3 of the DIABLO gene. It does not directly change the encoded amino acid sequence of the DIABLO protein. It affects a nucleotide within the consensus splice site. This variant is not present in population databases (gnomAD no frequency). This variant has not been reported in the literature in individuals affected with DIABLO-related conditions. ClinVar contains an entry for this variant (Variation ID: 1499453). Variants that disrupt the consensus splice site are a relatively common cause of aberrant splicing (PMID: 17576681, 9536098). Algorithms developed to predict the effect of sequence changes on RNA splicing suggest that this variant is not likely to affect RNA splicing. In summary, the available evidence is currently insufficient to determine the role of this variant in disease. Therefore, it has been classified as a Variant of Uncertain Significance.

Literature cited by the submitters: PubMed 17576681; PubMed 9536098.